The following is an entry in ClinVar:

ClinVar aggregate classification (germline): Benign (0 of 4 stars; one submission).

Conditions:
CPB2-related disorder. Also called: CPB2-related condition.

Allele frequency attached by ClinVar (database versions not stated): ExAC 0.76488; ESP Exome Variant Server 0.78471; TOPMed 0.78874; gnomAD 0.78984; 1000 Genomes Project 0.80671; 1000 Genomes Project 30x 0.81090.
gnomAD v4.1: 1,187,746 of 1,583,384 alleles (75%); highest among the groups gnomAD compares: African/African-American, 88%; 448,202 homozygotes.

Submission:

PreventionGenetics, part of Exact Sciences
Classification: Benign for CPB2-related condition. Last evaluated: 2019-10-16. Review status: no assertion criteria provided. Collection method: clinical testing. Allele origin: germline.
Comment: This variant is classified as benign based on ACMG/AMP sequence variant interpretation guidelines (Richards et al. 2015 PMID: 25741868, with internal and published modifications).

NM_001872.5(CPB2):c.663A>G (p.Pro221=)

Genes: CPB2 (carboxypeptidase B2; minus strand), CPB2-AS1 (CPB2 antisense RNA 1; plus strand). Cytogenetic location: 13q14.13.
Variant type: single nucleotide variant.
Coding change: c.663A>G on transcript NM_001872.5 (MANE Select); coding-DNA position 663, A replaced by G.
Protein change: p.Pro221=; no amino-acid change (proline 221 retained).
Molecular consequence: synonymous variant. On other transcripts: intron variant (1).
Genome position (GRCh38, 1-based): chr13:46,067,346, T>C on the plus strand (A>G on the coding strand, the complement: CPB2 is on the minus strand). VCF-style: chr13-46067346-T-C. GRCh37 (hg19) VCF-style: chr13-46641481-T-C.
Other names: c.592-2605A>G (NM_001278541.2).
Identifiers: ClinVar variation 3060410 (VCV003060410.2), dbSNP rs7337140, ClinGen allele CA6974885.